The following is an entry in ClinVar:

NM_000431.4(MVK):c.924C>T (p.Leu308=)

Gene: MVK (mevalonate kinase; plus strand). Cytogenetic location: 12q24.11.
Variant type: single nucleotide variant.
Coding change: c.924C>T on transcript NM_000431.4 (MANE Select); coding-DNA position 924, C replaced by T.
Protein change: p.Leu308=; no amino-acid change (leucine 308 retained).
Molecular consequence: synonymous variant.
Genome position (GRCh38, 1-based): chr12:109,595,066, C>T. VCF-style: chr12-109595066-C-T. GRCh37 (hg19) VCF-style: chr12-110032871-C-T.
Other names: c.924C>T (LRG_156t1); c.924C>T, p.Leu308= (NM_001114185.3); c.768C>T, p.Leu256= (NM_001301182.2).
Identifiers: ClinVar variation 193585 (VCV000193585.71), dbSNP rs72648042, ClinGen allele CA208417.

ClinVar aggregate classification (germline): Conflicting classifications of pathogenicity. Review status: criteria provided, conflicting classifications (1 of 4 stars). 17 submissions from 16 submitters: Uncertain significance (4); Benign (1); Likely benign (8). 4 of the submissions do not count toward it. Last evaluated 2026-03-31.

Conditions:
Autoinflammatory syndrome. Identifiers: Orphanet 93665, MedGen C3890737, MONDO:0019751.
Porokeratosis 3, disseminated superficial actinic type (POROK3). Also called: POROKERATOSIS, DISSEMINATED SUPERFICIAL ACTINIC, 1; POROKERATOSIS 3, MULTIPLE TYPES; POROKERATOSIS 3, MIBELLI TYPE. Identifiers: MedGen C1867981, MONDO:0008293, OMIM 175900.
Hyperimmunoglobulin D with periodic fever (HIDS). Also called: Hyperimmunoglobulinemia D with periodic fever; HYPERIMMUNOGLOBULINEMIA D AND PERIODIC FEVER SYNDROME; Hyperimmunoglobulinemia D. Identifiers: Orphanet 343, MedGen C0398691, MONDO:0009849, OMIM 260920.
Mevalonic aciduria (MEVA). Identifiers: Orphanet 29, MedGen C1959626, MONDO:0012481, OMIM 610377.
Retinal dystrophy. Also called: Inherited retinal dystrophy. Identifiers: Orphanet 71862, MedGen C0854723, MeSH D058499, MONDO:0019118, HP:0000556.

Allele frequency attached by ClinVar (database versions not stated): 1000 Genomes Project 0.00040; 1000 Genomes Project 30x 0.00047; TOPMed 0.00112; ESP Exome Variant Server 0.00115; gnomAD exomes 0.00130 and 0.00174; ExAC 0.00134; gnomAD 0.00136 and 0.00140.
gnomAD v4.1: 2,771 of 1,614,206 alleles (0.17%); highest among the groups gnomAD compares: Non-Finnish European, 0.21%; 6 homozygotes.

Submissions (17):

Women's Health and Genetics/Laboratory Corporation of America, LabCorp
Classification: Likely benign. Last evaluated: 2026-03-31. Review status: criteria provided, single submitter. Criteria: LabCorp Variant Classification Summary - May 2015. Collection method: clinical testing. Allele origin: germline.

CeGaT Center for Human Genetics Tuebingen
Classification: Likely benign. Last evaluated: 2026-03-01. Review status: criteria provided, single submitter. Criteria: CeGaT Center For Human Genetics Tuebingen Variant Classification Criteria Version 2. Collection method: clinical testing. Allele origin: germline. Affected: yes. Observed: 20 variant alleles.
Comment: MVK: BP4, BP7

Labcorp Genetics (formerly Invitae), Labcorp
Classification: Likely benign for Mevalonic aciduria; Hyperimmunoglobulin D with periodic fever; Porokeratosis 3, disseminated superficial actinic type. Last evaluated: 2026-02-02. Review status: criteria provided, single submitter. Criteria: Invitae Variant Classification Sherloc (09022015). Collection method: clinical testing. Allele origin: germline.

Blueprint Genetics
Classification: Likely benign. Last evaluated: 2024-11-20. Review status: criteria provided, single submitter. Criteria: ACMG Guidelines, 2015. Collection method: clinical testing. Allele origin: germline.

Genome Diagnostics Laboratory, The Hospital for Sick Children
Classification: Likely benign for Autoinflammatory syndrome. Last evaluated: 2020-12-15. Review status: criteria provided, single submitter. Criteria: ACMG Guidelines, 2015. Collection method: clinical testing. Allele origin: germline. Affected: yes.

Dubai Health Genomic Medicine Center, Dubai Health
Classification: Likely benign. Last evaluated: 2020-08-20. Review status: criteria provided, single submitter. Criteria: ACMG Guidelines, 2015. Collection method: clinical testing. Allele origin: germline. Affected: yes.

ARUP Laboratories, Molecular Genetics and Genomics, ARUP Laboratories
Classification: Likely benign. Last evaluated: 2019-08-13. Review status: criteria provided, single submitter. Criteria: ARUP Molecular Germline Variant Investigation Process. Collection method: clinical testing. Allele origin: germline.

Illumina Laboratory Services, Illumina
Classification: Uncertain significance for Mevalonic aciduria. Last evaluated: 2018-02-13. Review status: criteria provided, single submitter. Criteria: ICSL Variant Classification Criteria 13 December 2019. Collection method: clinical testing. Allele origin: germline.

Illumina Laboratory Services, Illumina
Classification: Uncertain significance for Hyperimmunoglobulin D with periodic fever. Last evaluated: 2018-02-13. Review status: criteria provided, single submitter. Criteria: ICSL Variant Classification Criteria 13 December 2019. Collection method: clinical testing. Allele origin: germline.

GeneDx
Classification: Benign. Last evaluated: 2015-03-03. Review status: criteria provided, single submitter. Criteria: GeneDx Variant Classification Process June 2021. Collection method: clinical testing. Allele origin: germline. Affected: yes.

Eurofins Ntd Llc (ga)
Classification: Uncertain significance. Last evaluated: 2015-02-11. Review status: criteria provided, single submitter. Criteria: EGL Classification Definitions 2015. Collection method: clinical testing. Allele origin: germline. Observed: 1 variant allele, 1 heterozygote.

Genetic Services Laboratory, University of Chicago
Classification: Uncertain significance. Last evaluated: 2014-04-04. Review status: criteria provided, single submitter. Criteria: ACMG Guidelines, 2007. Collection method: clinical testing. Allele origin: germline.

PreventionGenetics, part of Exact Sciences
Classification: Likely benign. Review status: criteria provided, single submitter. Criteria: ACMG Guidelines, 2015. Collection method: clinical testing. Allele origin: germline.

Institute of Human Genetics, Univ. Regensburg, Univ. Regensburg
Classification: Uncertain significance for Retinal dystrophy. Last evaluated: 2023-01-01. Review status: no assertion criteria provided. Criteria: ACMG Guidelines, 2015. Collection method: clinical testing. Allele origin: germline. Affected: yes. Not counted in ClinVar's aggregate classification.

Clinical Genetics DNA and cytogenetics Diagnostics Lab, Erasmus MC, Erasmus Medical Center
Classification: Likely benign. Review status: no assertion criteria provided. Collection method: clinical testing. Allele origin: germline. Affected: yes. Study: VKGL Data-share Consensus. Not counted in ClinVar's aggregate classification.

Clinical Genetics, Academic Medical Center
Classification: Likely benign. Review status: no assertion criteria provided. Collection method: clinical testing. Allele origin: germline. Affected: yes. Study: VKGL Data-share Consensus. Not counted in ClinVar's aggregate classification.

Genome Diagnostics Laboratory, University Medical Center Utrecht
Classification: Likely benign. Review status: no assertion criteria provided. Collection method: clinical testing. Allele origin: germline. Affected: yes. Study: VKGL Data-share Consensus. Not counted in ClinVar's aggregate classification.